The following is an entry in ClinVar:

ClinVar aggregate classification (germline): Uncertain significance. Review status: criteria provided, multiple submitters, no conflicts (2 of 4 stars). 2 submissions from 2 submitters: Uncertain significance (2). Last evaluated 2023-08-27.

Conditions:
Epidermolysis bullosa simplex 5B, with muscular dystrophy (EBS5B). Also called: EPIDERMOLYSIS BULLOSA SIMPLEX AND LIMB-GIRDLE MUSCULAR DYSTROPHY; Epidermolysis bullosa simplex with muscular dystrophy. Identifiers: Orphanet 257, MedGen C2931072, MONDO:0009181, OMIM 226670.
Epidermolysis bullosa simplex with nail dystrophy (EBS5D). Identifiers: MedGen C4225309, MONDO:0014661, OMIM 616487.
Epidermolysis bullosa simplex 5C, with pyloric atresia (EBS5C). Also called: PLEC-Related Epidermolysis Bullosa with Pyloric Atresia; Epidermolysis bullosa simplex with pyloric atresia; PLEC1-Related Epidermolysis Bullosa with Pyloric Atresia. Identifiers: Orphanet 158684, MedGen C2677349, MONDO:0012807, OMIM 612138.
Autosomal recessive limb-girdle muscular dystrophy type 2Q (LGMDR17). Also called: MUSCULAR DYSTROPHY, LIMB-GIRDLE, AUTOSOMAL RECESSIVE 17. Identifiers: Orphanet 254361, MedGen C3150989, MONDO:0013390, OMIM 613723.
Epidermolysis bullosa simplex, Ogna type (EBS5A). Also called: EPIDERMOLYSIS BULLOSA SIMPLEX 5A, OGNA TYPE; Pidermolysis bullosa simplex 5A, Ogna type. Identifiers: Orphanet 79401, MedGen C0432317, MONDO:0007555, OMIM 131950.

Allele frequency attached by ClinVar (database versions not stated): gnomAD exomes 0.00001; gnomAD 0.00002; TOPMed 0.00002.
gnomAD v4.1: 22 of 1,603,986 alleles (0.0014%); highest among the groups gnomAD compares: African/African-American, 0.004%; no homozygotes.

Submissions (2):

Labcorp Genetics (formerly Invitae), Labcorp
Classification: Uncertain significance for Autosomal recessive limb-girdle muscular dystrophy type 2Q; Epidermolysis bullosa simplex, Ogna type; Epidermolysis bullosa simplex with nail dystrophy; Epidermolysis bullosa simplex 5C, with pyloric atresia; Epidermolysis bullosa simplex 5B, with muscular dystrophy. Last evaluated: 2023-08-27. Review status: criteria provided, single submitter. Criteria: Invitae Variant Classification Sherloc (09022015). Collection method: clinical testing. Allele origin: germline.
Comment: This sequence change replaces threonine, which is neutral and polar, with methionine, which is neutral and non-polar, at codon 2515 of the PLEC protein (p.Thr2515Met). This variant is present in population databases (no rsID available, gnomAD 0.003%). This variant has not been reported in the literature in individuals affected with PLEC-related conditions. ClinVar contains an entry for this variant (Variation ID: 2435006). Advanced modeling of protein sequence and biophysical properties (such as structural, functional, and spatial information, amino acid conservation, physicochemical variation, residue mobility, and thermodynamic stability) performed at Invitae indicates that this missense variant is not expected to disrupt PLEC protein function. In summary, the available evidence is currently insufficient to determine the role of this variant in disease. Therefore, it has been classified as a Variant of Uncertain Significance.

Revvity Omics, Revvity
Classification: Uncertain significance. Last evaluated: 2021-02-05. Review status: criteria provided, single submitter. Criteria: ACMG Guidelines, 2015. Collection method: clinical testing. Allele origin: germline.

NM_201384.3(PLEC):c.7463C>T (p.Thr2488Met)

Gene: PLEC (plectin; minus strand). Cytogenetic location: 8q24.3.
Variant type: single nucleotide variant.
Coding change: c.7463C>T on transcript NM_201384.3 (MANE Select); coding-DNA position 7463, C replaced by T.
Protein change: p.Thr2488Met; replaces threonine 2488 with methionine.
Molecular consequence: missense variant.
Genome position (GRCh38, 1-based): chr8:143,922,358, G>A on the plus strand (C>T on the coding strand, the complement: PLEC is on the minus strand). VCF-style: chr8-143922358-G-A. GRCh37 (hg19) VCF-style: chr8-144996526-G-A.
Other names: c.7544C>T, p.Thr2515Met (NM_000445.5); c.4163C>T, p.Thr1388Met (NM_001410941.1); c.7421C>T, p.Thr2474Met (NM_201378.4); c.7397C>T, p.Thr2466Met (NM_201379.3); c.7874C>T, p.Thr2625Met (NM_201380.4); c.7367C>T, p.Thr2456Met (NM_201381.3); c.7463C>T, p.Thr2488Met (NM_201382.4); c.7475C>T, p.Thr2492Met (NM_201383.3); short protein forms T1388M, T2456M, T2466M, T2474M, T2488M, T2492M, T2515M, T2625M.
Identifiers: ClinVar variation 2435006 (VCV002435006.6), dbSNP rs989906646, ClinGen allele CA187612972.